The following is an entry in ClinVar:

ClinVar aggregate classification (germline): Likely pathogenic (0 of 4 stars; one submission).

Conditions:
Renal hypomagnesemia 6. Identifiers: Orphanet 34527, MedGen C3151295, MONDO:0013480, OMIM 613882.

gnomAD v4.1: 2 of 1,613,946 alleles (0.00012%); highest among the groups gnomAD compares: Non-Finnish European, 0.00017%; no homozygotes.

Submission:

Solve-RD Consortium
Classification: Likely pathogenic for Renal hypomagnesemia 6. Last evaluated: 2022-06-01. Review status: no assertion criteria provided. Collection method: provider interpretation. Allele origin: de novo. Affected: yes.
Comment: Variant confirmed as disease-causing by referring clinical team

Variant identified during reanalysis of unsolved cases by the Solve-RD project. The Solve-RD project has received funding from the European Union’s Horizon 2020 research and innovation programme under grant agreement No 779257.

Literature cited by the submitters: PubMed 39825153.

NM_017649.5(CNNM2):c.2576G>A (p.Cys859Tyr)

Gene: CNNM2 (cyclin and CBS domain divalent metal cation transport mediator 2; plus strand). Cytogenetic location: 10q24.32.
Variant type: single nucleotide variant.
Coding change: c.2576G>A on transcript NM_017649.5 (MANE Select); coding-DNA position 2576, G replaced by A.
Protein change: p.Cys859Tyr; replaces cysteine 859 with tyrosine.
Molecular consequence: missense variant.
Genome position (GRCh38, 1-based): chr10:103,077,128, G>A. VCF-style: chr10-103077128-G-A. GRCh37 (hg19) VCF-style: chr10-104836885-G-A.
Other names: c.2510G>A, p.Cys837Tyr (NM_199076.3); short protein forms C837Y, C859Y.
Identifiers: ClinVar variation 3256765 (VCV003256765.1).
Genomic context (GRCh38, chr10:103,077,128, plus strand): 5'-TTACGGAGCTGCATGACGGGTTGCCAGACGAGACAGCCAACCTGCTCAACGAACAGAACT[G>A]TGTGACGCACAGTAAGGCCAACCACAGCCTGCACAACGAAGGCGCCATCTAGGCCGCGCT-3'
Protein context (NP_060119.3, residues 849-869): ETANLLNEQN[Cys859Tyr]VTHSKANHSL